The following is an entry in ClinVar:

ClinVar aggregate classification (germline): Conflicting classifications of pathogenicity. Review status: criteria provided, conflicting classifications (1 of 4 stars). 9 submissions from 9 submitters: Uncertain significance (6); Benign (1); Likely benign (2). Last evaluated 2026-01-11.

Conditions:
Hereditary cancer-predisposing syndrome. Also called: Neoplastic Syndromes, Hereditary; Tumor predisposition; Hereditary Cancer Syndrome; Hereditary neoplastic syndrome. Identifiers: Orphanet 140162, MedGen C0027672, MeSH D009386, MONDO:0015356.
BAP1-related tumor predisposition syndrome (TPDS1). Also called: BAP1 tumor predisposition syndrome; COMMON Syndrome; TUMOR PREDISPOSITION SYNDROME 1; Tumor susceptibility linked to germline BAP1 mutations. Identifiers: Orphanet 289539, MedGen C3280492, MONDO:0013692, OMIM 614327.

Allele frequency attached by ClinVar (database versions not stated): ExAC 0.00002; gnomAD 0.00002 and 0.00003; TOPMed 0.00002; gnomAD exomes 0.00003.
gnomAD v4.1: 53 of 1,613,934 alleles (0.0033%); highest among the groups gnomAD compares: Non-Finnish European, 0.0041%; no homozygotes.

Submissions (9):

Labcorp Genetics (formerly Invitae), Labcorp
Classification: Uncertain significance for BAP1-related tumor predisposition syndrome. Last evaluated: 2026-01-11. Review status: criteria provided, single submitter. Criteria: Invitae Variant Classification Sherloc (09022015). Collection method: clinical testing. Allele origin: germline.
Comment: This sequence change replaces histidine, which is basic and polar, with asparagine, which is neutral and polar, at codon 481 of the BAP1 protein (p.His481Asn). This variant is present in population databases (rs764816701, gnomAD 0.006%). This missense change has been observed in individual(s) with clinical features of BAP1-related conditions (PMID: 28034829, 30306255). ClinVar contains an entry for this variant (Variation ID: 472669). Invitae Evidence Modeling of protein sequence and biophysical properties (such as structural, functional, and spatial information, amino acid conservation, physicochemical variation, residue mobility, and thermodynamic stability) indicates that this missense variant is not expected to disrupt BAP1 protein function with a negative predictive value of 80%. In summary, the available evidence is currently insufficient to determine the role of this variant in disease. Therefore, it has been classified as a Variant of Uncertain Significance.

Center for Genomic Medicine, Rigshospitalet, Copenhagen University Hospital
Classification: Uncertain significance. Last evaluated: 2025-12-29. Review status: criteria provided, single submitter. Criteria: ACMG Guidelines, 2015. Collection method: clinical testing. Allele origin: germline.

Color Diagnostics, LLC DBA Color Health
Classification: Benign for Hereditary cancer-predisposing syndrome. Last evaluated: 2025-11-20. Review status: criteria provided, single submitter. Criteria: ACMG Guidelines, 2015. Collection method: clinical testing. Allele origin: germline.

GeneDx
Classification: Uncertain significance. Last evaluated: 2025-11-17. Review status: criteria provided, single submitter. Criteria: GeneDx Variant Classification Process June 2021. Collection method: clinical testing. Allele origin: germline. Affected: yes.
Comment: In silico analysis suggests that this missense variant does not alter protein structure/function; This variant is associated with the following publications: (PMID: 28034829, 30517737, 30306255)

ARUP Laboratories, Molecular Genetics and Genomics, ARUP Laboratories
Classification: Uncertain significance. Last evaluated: 2024-08-21. Review status: criteria provided, single submitter. Criteria: ARUP Molecular Germline Variant Investigation Process 2024. Collection method: clinical testing. Allele origin: germline.

Myriad Genetics, Inc.
Classification: Likely benign for BAP1-related tumor predisposition syndrome. Last evaluated: 2024-07-16. Review status: criteria provided, single submitter. Criteria: Myriad Autosomal Dominant, Autosomal Recessive and X-Linked Classification Criteria (2023). Collection method: clinical testing. Allele origin: unknown.
Comment: This variant is considered likely benign. This variant has been observed at a population frequency that is significantly greater than expected given the associated disease prevalence and penetrance.

Quest Diagnostics Nichols Institute San Juan Capistrano
Classification: Uncertain significance. Last evaluated: 2024-06-21. Review status: criteria provided, single submitter. Criteria: Quest Diagnostics criteria. Collection method: clinical testing. Allele origin: unknown.
Comment: The BAP1 c.1441C>A (p.His481Asn) variant has been reported in the published literature in individuals with breast and/or ovarian cancer (PMID: 30306255 (2018)) and peritoneal mesothelioma (PMID: 28034829 (2017)). This variant was also identified in an individual with cutaneous and uveal melanoma (PMID: 30517737 (2018)). The frequency of this variant in the general population, 0.000079 (4/50756 chromosomes (Genome Aggregation Database)), is uninformative in the assessment of its pathogenicity. Analysis of this variant using bioinformatics tools for the prediction of the effect of amino acid changes on protein structure and function yielded predictions that this variant is benign. Based on the available information, we are unable to determine the clinical significance of this variant.

Baylor Genetics
Classification: Uncertain significance for BAP1-related tumor predisposition syndrome. Last evaluated: 2024-02-22. Review status: criteria provided, single submitter. Criteria: ACMG Guidelines, 2015. Collection method: clinical testing. Allele origin: unknown. Study: CSER-TexasKidsCanSeq.

Ambry Genetics
Classification: Likely benign for Hereditary cancer-predisposing syndrome. Last evaluated: 2022-04-13. Review status: criteria provided, single submitter. Criteria: Ambry Variant Classification Scheme 2023. Collection method: clinical testing. Allele origin: germline.

Literature cited by the submitters: PubMed 28034829 (cited by 3 submitters); PubMed 30306255 (cited by 3 submitters); PubMed 30517737 (cited by Quest Diagnostics Nichols Institute San Juan Capistrano and Ambry Genetics).

NM_004656.4(BAP1):c.1441C>A (p.His481Asn)

Gene: BAP1 (BRCA1 associated deubiquitinase 1; minus strand). Cytogenetic location: 3p21.1.
Variant type: single nucleotide variant.
Coding change: c.1441C>A on transcript NM_004656.4 (MANE Select); coding-DNA position 1441, C replaced by A.
Protein change: p.His481Asn; replaces histidine 481 with asparagine.
Molecular consequence: missense variant.
Genome position (GRCh38, 1-based): chr3:52,403,704, G>T on the plus strand (C>A on the coding strand, the complement: BAP1 is on the minus strand). VCF-style: chr3-52403704-G-T. GRCh37 (hg19) VCF-style: chr3-52437720-G-T.
Other names: short protein forms H481N.
Identifiers: ClinVar variation 472669 (VCV000472669.28), dbSNP rs764816701, ClinGen allele CA2436801.